The following is an entry in ClinVar:

NM_002496.4(NDUFS8):c.598G>A (p.Ala200Thr)

Gene: NDUFS8 (NADH:ubiquinone oxidoreductase core subunit S8; plus strand). Cytogenetic location: 11q13.2.
Variant type: single nucleotide variant.
Coding change: c.598G>A on transcript NM_002496.4 (MANE Select); coding-DNA position 598, G replaced by A.
Protein change: p.Ala200Thr; replaces alanine 200 with threonine.
Molecular consequence: missense variant.
Genome position (GRCh38, 1-based): chr11:68,036,558, G>A. VCF-style: chr11-68036558-G-A. GRCh37 (hg19) VCF-style: chr11-67804025-G-A.
Other names: short protein forms A200T.
Identifiers: ClinVar variation 305773 (VCV000305773.13), dbSNP rs578145610, ClinGen allele CA6146577.

ClinVar aggregate classification (germline): Uncertain significance. Review status: criteria provided, multiple submitters, no conflicts (2 of 4 stars). 5 submissions from 4 submitters: Uncertain significance (5). Last evaluated 2024-04-29.

Conditions:
Mitochondrial complex I deficiency, nuclear type 1. Also called: NADH-COENZYME Q REDUCTASE DEFICIENCY; MITOCHONDRIAL NADH DEHYDROGENASE COMPONENT OF COMPLEX I, DEFICIENCY OF. Identifiers: MedGen C6022305, MONDO:0100224, OMIM 252010.
Leigh syndrome (NULS). Also called: Leigh's syndrome; Subacute necrotizing encephalopathy; Necrotizing encephalopathy infantile subacute of Leigh; LEIGH SYNDROME, NUCLEAR; Leigh's necrotizing encephalopathy; Leigh's disease. Identifiers: Orphanet 506, MedGen C2931891, MONDO:0009723, OMIM 256000.

Allele frequency attached by ClinVar (database versions not stated): gnomAD exomes 0.00004 and 0.00006; TOPMed 0.00005; gnomAD 0.00006 and 0.00008; ExAC 0.00009; 1000 Genomes Project 30x 0.00016; 1000 Genomes Project 0.00020.
gnomAD v4.1: 74 of 1,614,044 alleles (0.0046%); highest among the groups gnomAD compares: Middle Eastern, 0.05%; 1 homozygote.

Submissions (5):

Blueprint Genetics
Classification: Uncertain significance. Last evaluated: 2024-04-29. Review status: criteria provided, single submitter. Criteria: ACMG Guidelines, 2015. Collection method: clinical testing. Allele origin: germline.

Labcorp Genetics (formerly Invitae), Labcorp
Classification: Uncertain significance. Last evaluated: 2024-02-24. Review status: criteria provided, single submitter. Criteria: Invitae Variant Classification Sherloc (09022015). Collection method: clinical testing. Allele origin: germline.
Comment: This sequence change replaces alanine, which is neutral and non-polar, with threonine, which is neutral and polar, at codon 200 of the NDUFS8 protein (p.Ala200Thr). This variant is present in population databases (rs578145610, gnomAD 0.02%). This variant has not been reported in the literature in individuals affected with NDUFS8-related conditions. ClinVar contains an entry for this variant (Variation ID: 305773). Algorithms developed to predict the effect of missense changes on protein structure and function output the following: SIFT: "Not Available"; PolyPhen-2: "Possibly Damaging"; Align-GVGD: "Not Available". The threonine amino acid residue is found in multiple mammalian species, which suggests that this missense change does not adversely affect protein function. In summary, the available evidence is currently insufficient to determine the role of this variant in disease. Therefore, it has been classified as a Variant of Uncertain Significance.

Illumina Laboratory Services, Illumina
Classification: Uncertain significance for Mitochondrial complex I deficiency, nuclear type 1. Last evaluated: 2018-01-13. Review status: criteria provided, single submitter. Criteria: ICSL Variant Classification Criteria 13 December 2019. Collection method: clinical testing. Allele origin: germline.

Illumina Laboratory Services, Illumina
Classification: Uncertain significance for Leigh syndrome. Last evaluated: 2018-01-13. Review status: criteria provided, single submitter. Criteria: ICSL Variant Classification Criteria 13 December 2019. Collection method: clinical testing. Allele origin: germline.

Genomic Research Center, Shahid Beheshti University of Medical Sciences
Classification: Uncertain significance for Leigh syndrome. Last evaluated: 2017-12-03. Review status: criteria provided, single submitter. Criteria: ACMG Guidelines, 2015. Collection method: clinical testing. Allele origin: inherited.